The following is an entry in ClinVar:

NM_138376.3(TTC5):c.79C>T (p.Arg27Ter)

Gene: TTC5 (tetratricopeptide repeat domain 5; minus strand). Cytogenetic location: 14q11.2.
Variant type: single nucleotide variant.
Coding change: c.79C>T on transcript NM_138376.3 (MANE Select); coding-DNA position 79, C replaced by T.
Protein change: p.Arg27Ter; replaces arginine 27 with a stop codon.
Molecular consequence: nonsense.
Genome position (GRCh38, 1-based): chr14:20,301,938, G>A on the plus strand (C>T on the coding strand, the complement: TTC5 is on the minus strand). VCF-style: chr14-20301938-G-A. GRCh37 (hg19) VCF-style: chr14-20770097-G-A.
Other names: short protein forms R27*.
Identifiers: ClinVar variation 3062315 (VCV003062315.3), dbSNP rs552581393, ClinGen allele CA257378062.
Genomic context (GRCh38, chr14:20,301,938, plus strand): 5'-GCACATCCTGTTGCTTCCTCCCAGCATCCTCAACACTATGTGTCTCGAAATAGCAGTCTC[G>A]AAATGAGTAGAGCTGATCCACGAGTTCCTAAAAAGTATGACAATGGAACCATTAAGTGGA-3'

ClinVar aggregate classification (germline): Likely pathogenic. Review status: criteria provided, multiple submitters, no conflicts (2 of 4 stars). 2 submissions from 2 submitters: Likely pathogenic (2). Last evaluated 2023-06-22.

Conditions:
Neurodevelopmental disorder with cerebral atrophy and variable facial dysmorphism. Identifiers: MedGen C5543228, MONDO:0030999, OMIM 619244.

gnomAD v4.1: 8 of 1,613,870 alleles (0.0005%); highest among the groups gnomAD compares: South Asian, 0.0011%; no homozygotes.

Submissions (2):

Neuberg Centre For Genomic Medicine, NCGM
Classification: Likely pathogenic for Neurodevelopmental disorder with cerebral atrophy and variable facial dysmorphism. Last evaluated: 2023-06-22. Review status: criteria provided, single submitter. Criteria: ACMG Guidelines, 2015. Collection method: clinical testing. Allele origin: germline. Inheritance: Autosomal recessive inheritance. Affected: yes.
Comment: The stop gained c.79C>T(p.Arg27Ter) variant in TTC5 gene has not been reported previously as a pathogenic variant nor as a benign variant, to our knowledge. The observed variant has allele frequency of 0.0004% in gnomAD exomes database. This variant has not been submitted to the ClinVar database. Computational evidence (MutationTaster - disease causing) predict a damaging effect on protein structure and function for this variant. The reference nucleotide change c.79C>T in TTC5 is predicted as conserved by GERP++ and PhyloP across 100 vertebrates. This variant is predicted to cause loss of normal protein function through protein truncation. Loss of function variants have been previously reported to be disease causing. For these reasons, this variant has been classified as Likely Pathogenic. In the absence of another reportable variant, the molecular diagnosis is not confirmed.

Molecular Genetics Department, Kulakov National Medical Research Center for Obstetrics, Gynecology and Perinatology
Classification: Likely pathogenic for Neurodevelopmental disorder with cerebral atrophy and variable facial dysmorphism. Review status: criteria provided, single submitter. Criteria: ACMG Guidelines, 2015. Collection method: clinical testing. Allele origin: germline. Affected: yes.
Comment: A previously undescribed nucleotide variant creates a premature translation stop signal p.Arg27Ter in the TTC5 gene. Homozygous and compound heterozygous variants are reported in patients with Neurodevelopmental disorder with cerebral atrophy and variable facial dysmorphism, 619244. The variant is present in gnomAD population database at low frequency (1/251440 chromosomes, no homozygotes). In summary, the currently available evidence indicates that the variant is pathogenic, but additional data are needed to prove that conclusively. Therefore, this variant has been classified as likely pathogenic.